The following is an entry in ClinVar:

NM_001199799.2(ILDR1):c.7T>C (p.Trp3Arg)

Gene: ILDR1 (immunoglobulin like domain containing receptor 1; minus strand). Cytogenetic location: 3q13.33.
Variant type: single nucleotide variant.
Coding change: c.7T>C on transcript NM_001199799.2 (MANE Select); coding-DNA position 7, T replaced by C.
Protein change: p.Trp3Arg; replaces tryptophan 3 with arginine.
Molecular consequence: missense variant.
Genome position (GRCh38, 1-based): chr3:122,022,071, A>G on the plus strand (T>C on the coding strand, the complement: ILDR1 is on the minus strand). VCF-style: chr3-122022071-A-G. GRCh37 (hg19) VCF-style: chr3-121740918-A-G.
Other names: c.7T>C, p.Trp3Arg (NM_001199800.2, NM_175924.4); short protein forms W3R.
Identifiers: ClinVar variation 2014331 (VCV002014331.4), dbSNP rs2472865102, ClinGen allele CA354136092.

ClinVar aggregate classification (germline): Uncertain significance (1 of 4 stars; one submission).

gnomAD v4.1: 1 of 1,608,696 alleles (0.000062%); highest among the groups gnomAD compares: African/African-American, 0.0013%; no homozygotes.

Submission:

Labcorp Genetics (formerly Invitae), Labcorp
Classification: Uncertain significance. Last evaluated: 2022-09-27. Review status: criteria provided, single submitter. Criteria: Invitae Variant Classification Sherloc (09022015). Collection method: clinical testing. Allele origin: germline.
Comment: In summary, the available evidence is currently insufficient to determine the role of this variant in disease. Therefore, it has been classified as a Variant of Uncertain Significance. Algorithms developed to predict the effect of missense changes on protein structure and function are either unavailable or do not agree on the potential impact of this missense change (SIFT: "Tolerated"; PolyPhen-2: "Not Available"; Align-GVGD: "Class C0"). This variant has not been reported in the literature in individuals affected with ILDR1-related conditions. This variant is not present in population databases (gnomAD no frequency). This sequence change replaces tryptophan, which is neutral and slightly polar, with arginine, which is basic and polar, at codon 3 of the ILDR1 protein (p.Trp3Arg).